The following is an entry in ClinVar:

NM_001897.5(CSPG4):c.561T>C (p.Asp187=)

Gene: CSPG4 (chondroitin sulfate proteoglycan 4; minus strand). Cytogenetic location: 15q24.2.
Variant type: single nucleotide variant.
Coding change: c.561T>C on transcript NM_001897.5 (MANE Select); coding-DNA position 561, T replaced by C.
Protein change: p.Asp187=; no amino-acid change (aspartic acid 187 retained).
Molecular consequence: synonymous variant.
Genome position (GRCh38, 1-based): chr15:75,690,504, A>G on the plus strand (T>C on the coding strand, the complement: CSPG4 is on the minus strand). VCF-style: chr15-75690504-A-G. GRCh37 (hg19) VCF-style: chr15-75982845-A-G.
Identifiers: ClinVar variation 2645579 (VCV002645579.24), dbSNP rs138246342, ClinGen allele CA7670811.

ClinVar aggregate classification (germline): Likely benign (1 of 4 stars; one submission).

Allele frequency attached by ClinVar (database versions not stated): ExAC 0.00006; gnomAD 0.00011; ESP Exome Variant Server 0.00016; gnomAD exomes 0.00022; TOPMed 0.00014.
gnomAD v4.1: 339 of 1,609,632 alleles (0.021%); highest among the groups gnomAD compares: Non-Finnish European, 0.027%; no homozygotes.

Submission:

CeGaT Center for Human Genetics Tuebingen
Classification: Likely benign. Last evaluated: 2023-03-01. Review status: criteria provided, single submitter. Criteria: CeGaT Center For Human Genetics Tuebingen Variant Classification Criteria Version 2. Collection method: clinical testing. Allele origin: germline. Affected: yes. Observed: 1 variant allele.
Comment: CSPG4: BP4, BP7